The following is an entry in ClinVar:

NM_018706.7(DHTKD1):c.1390G>A (p.Glu464Lys)

Gene: DHTKD1 (dehydrogenase E1 and transketolase domain containing 1; plus strand). Cytogenetic location: 10p14.
Variant type: single nucleotide variant.
Coding change: c.1390G>A on transcript NM_018706.7 (MANE Select); coding-DNA position 1390, G replaced by A.
Protein change: p.Glu464Lys; replaces glutamic acid 464 with lysine.
Molecular consequence: missense variant.
Genome position (GRCh38, 1-based): chr10:12,097,715, G>A. VCF-style: chr10-12097715-G-A. GRCh37 (hg19) VCF-style: chr10-12139714-G-A.
Other names: c.1390G>A (NM_018706.5, NM_018706.6); short protein forms E464K.
Identifiers: ClinVar variation 2190962 (VCV002190962.6), dbSNP rs751977848, ClinGen allele CA5407845.
Genomic context (GRCh38, chr10:12,097,715, plus strand): 5'-GATTTTTGTTTCTTCTCTTTCTTGGGCAGAGCTCGAAAGAGCATTCCAGACACATATGCA[G>A]AGCACCTCATTGCTGGCGGACTCATGACGCAGGAGGAGGTGTCTGAAATAAAATCCTCCT-3'
Protein context (NP_061176.4, residues 454-474): ARKSIPDTYA[Glu464Lys]HLIAGGLMTQ

ClinVar aggregate classification (germline): Uncertain significance. Review status: criteria provided, multiple submitters, no conflicts (2 of 4 stars). 3 submissions from 3 submitters: Uncertain significance (3). Last evaluated 2025-11-26.

Conditions:
Inborn genetic diseases. Identifiers: MedGen C0950123, MeSH D030342.
2-aminoadipic 2-oxoadipic aciduria (AAKAD). Also called: ALPHA-AMINOADIPIC AND ALPHA-KETOADIPIC ACIDURIA; Aminoadipic aciduria. Identifiers: Orphanet 79154, MedGen C1859817, MONDO:0008774, OMIM 204750.

Allele frequency attached by ClinVar (database versions not stated): gnomAD exomes below 0.00001; ExAC 0.00001; gnomAD 0.00002; TOPMed 0.00002.

Submissions (3):

Ambry Genetics
Classification: Uncertain significance for Inborn genetic diseases. Last evaluated: 2025-11-26. Review status: criteria provided, single submitter. Criteria: Ambry Variant Classification Scheme 2023. Collection method: clinical testing. Allele origin: germline.

Women's Health and Genetics/Laboratory Corporation of America, LabCorp
Classification: Uncertain significance. Last evaluated: 2023-07-21. Review status: criteria provided, single submitter. Criteria: LabCorp Variant Classification Summary - May 2015. Collection method: clinical testing. Allele origin: germline.
Comment: Variant summary: DHTKD1 c.1390G>A (p.Glu464Lys) results in a conservative amino acid change located in the Dehydrogenase, E1 component (IpR001017) of the encoded protein sequence. Three of five in-silico tools predict a benign effect of the variant on protein function. The variant was absent in 250772 control chromosomes. The available data on variant occurrences in the general population are insufficient to allow any conclusion about variant significance. To our knowledge, no occurrence of c.1390G>A in individuals affected with 2-Aminoadipic 2-Oxoadipic Aciduria and no experimental evidence demonstrating its impact on protein function have been reported. One submitter has cited clinical-significance assessments for this variant to ClinVar after 2014 and has classified the variant as uncertain significance. Based on the evidence outlined above, the variant was classified as uncertain significance.

Labcorp Genetics (formerly Invitae), Labcorp
Classification: Uncertain significance for 2-aminoadipic 2-oxoadipic aciduria. Last evaluated: 2022-07-29. Review status: criteria provided, single submitter. Criteria: Invitae Variant Classification Sherloc (09022015). Collection method: clinical testing. Allele origin: germline.
Comment: In summary, the available evidence is currently insufficient to determine the role of this variant in disease. Therefore, it has been classified as a Variant of Uncertain Significance. Algorithms developed to predict the effect of missense changes on protein structure and function are either unavailable or do not agree on the potential impact of this missense change (SIFT: "Deleterious"; PolyPhen-2: "Benign"; Align-GVGD: "Class C0"). This variant has not been reported in the literature in individuals affected with DHTKD1-related conditions. This variant is present in population databases (rs751977848, gnomAD 0.007%). This sequence change replaces glutamic acid, which is acidic and polar, with lysine, which is basic and polar, at codon 464 of the DHTKD1 protein (p.Glu464Lys).